The following is an entry in ClinVar:

ClinVar aggregate classification (germline): Uncertain significance. Review status: criteria provided, multiple submitters, no conflicts (2 of 4 stars). 2 submissions from 2 submitters: Uncertain significance (2). Last evaluated 2024-11-06.

Conditions:
Cardiovascular phenotype. Identifiers: MedGen CN230736.
Long QT syndrome 6 (LQT6). Identifiers: Orphanet 101016, Orphanet 768, MedGen C3150953, MONDO:0013370, OMIM 613693.

Submissions (2):

Labcorp Genetics (formerly Invitae), Labcorp
Classification: Uncertain significance for Long QT syndrome 6. Last evaluated: 2024-11-06. Review status: criteria provided, single submitter. Criteria: Invitae Variant Classification Sherloc (09022015). Collection method: clinical testing. Allele origin: germline.
Comment: This sequence change replaces histidine, which is basic and polar, with tyrosine, which is neutral and polar, at codon 111 of the KCNE2 protein (p.His111Tyr). This variant is not present in population databases (gnomAD no frequency). This variant has not been reported in the literature in individuals affected with KCNE2-related conditions. ClinVar contains an entry for this variant (Variation ID: 1730180). An algorithm developed to predict the effect of missense changes on protein structure and function (PolyPhen-2) suggests that this variant is likely to be tolerated. In summary, the available evidence is currently insufficient to determine the role of this variant in disease. Therefore, it has been classified as a Variant of Uncertain Significance.

Ambry Genetics
Classification: Uncertain significance for Cardiovascular phenotype. Last evaluated: 2020-12-23. Review status: criteria provided, single submitter. Criteria: Ambry Variant Classification Scheme 2023. Collection method: clinical testing. Allele origin: germline.
Comment: The p.H111Y variant (also known as c.331C>T), located in coding exon 1 of the KCNE2 gene, results from a C to T substitution at nucleotide position 331. The histidine at codon 111 is replaced by tyrosine, an amino acid with similar properties. This amino acid position is well conserved in available vertebrate species. In addition, the in silico prediction for this alteration is inconclusive. Since supporting evidence is limited at this time, the clinical significance of this alteration remains unclear.

NM_172201.2(KCNE2):c.331C>T (p.His111Tyr)

Genes: KCNE2 (potassium voltage-gated channel subfamily E regulatory subunit 2; plus strand), LOC105372791 (uncharacterized LOC105372791; minus strand). Cytogenetic location: 21q22.11.
Variant type: single nucleotide variant.
Coding change: c.331C>T on transcript NM_172201.2 (MANE Select); coding-DNA position 331, C replaced by T.
Protein change: p.His111Tyr; replaces histidine 111 with tyrosine.
Molecular consequence: missense variant.
Genome position (GRCh38, 1-based): chr21:34,370,809, C>T. VCF-style: chr21-34370809-C-T. GRCh37 (hg19) VCF-style: chr21-35743108-C-T.
Other names: short protein forms H111Y.
Identifiers: ClinVar variation 1730180 (VCV001730180.4), dbSNP rs2516741323, ClinGen allele CA410197142.
Genomic context (GRCh38, chr21:34,370,809, plus strand): 5'-GACTGGCAGGAAAAGTACAAGAGCCAAATCTTGAATCTAGAAGAATCGAAGGCCACCATC[C>T]ATGAGAACATTGGTGCGGCTGGGTTCAAAATGTCCCCCTGATAAGGGAGAAAGGCACCAA-3'
Protein context (NP_751951.1, residues 101-121): LNLEESKATI[His111Tyr]ENIGAAGFKM